The following is an entry in ClinVar:

NM_001165963.4(SCN1A):c.5489dup (p.Phe1831fs)

Genes: SCN1A (sodium voltage-gated channel alpha subunit 1; minus strand), LOC102724058 (uncharacterized LOC102724058; plus strand). Cytogenetic location: 2q24.3.
Variant type: Duplication.
Coding change: c.5489dup on transcript NM_001165963.4 (MANE Select); coding-DNA position 5489, one base duplicated (A; older notation c.5489dupA).
Protein change: p.Phe1831fs; shifts the reading frame from phenylalanine 1831.
Molecular consequence: frameshift variant. On other transcripts: non-coding transcript variant (1).
Genome position (GRCh38, 1-based): chr2:165,991,786, T duplicated on the plus strand (A on the coding strand, the reverse complement: SCN1A is on the minus strand). VCF-style (leftmost placement, unchanged base first): chr2-165991785-C-CT. GRCh37 (hg19) VCF-style: chr2-166848295-C-CT.
Other names: c.5405dup, p.Phe1803fs (NM_001165964.3, NM_001353957.2, NM_001353958.2); c.5489dup, p.Phe1831fs (NM_001202435.3, NM_001353948.2); c.5456dup, p.Phe1820fs (NM_001353949.2, NM_001353950.2, NM_001353951.2 and 2 more transcripts); c.5453dup, p.Phe1819fs (NM_001353954.2, NM_001353955.2); c.5402dup, p.Phe1802fs (NM_001353960.2); c.3047dup, p.Phe1017fs (NM_001353961.2); short protein forms F1017fs, F1802fs, F1803fs, F1819fs, F1820fs, F1831fs.
Identifiers: ClinVar variation 1300200 (VCV001300200.7), dbSNP rs1573945872, ClinGen allele CA2573051702.

ClinVar aggregate classification (germline): Pathogenic. Review status: criteria provided, single submitter (1 of 4 stars). 2 submissions from 2 submitters: Pathogenic (1). 1 of the submissions does not count toward it. Last evaluated 2022-04-07.

Conditions:
Early-infantile DEE. Also called: Ohtahara syndrome; Early infantile epileptic encephalopathy; Early infantile epileptic encephalopathy with suppression bursts. Identifiers: Orphanet 1934, MedGen C0393706, MONDO:0800491.
Severe myoclonic epilepsy in infancy (DRVT). Also called: Epileptic encephalopathy, early infantile, 6 (Dravet syndrome); SEVERE MYOCLONIC EPILEPSY OF INFANCY; DEVELOPMENTAL AND EPILEPTIC ENCEPHALOPATHY 6A; Severe Myoclonic Epilepsy in Infancy (SMEI); Dravet syndrome. Identifiers: Orphanet 33069, MedGen C0751122, MONDO:0100135, OMIM 607208.

Submissions (2):

Labcorp Genetics (formerly Invitae), Labcorp
Classification: Pathogenic for Early-infantile DEE. Last evaluated: 2022-04-07. Review status: criteria provided, single submitter. Criteria: Invitae Variant Classification Sherloc (09022015). Collection method: clinical testing. Allele origin: germline.
Comment: For these reasons, this variant has been classified as Pathogenic. This variant disrupts a region of the SCN1A protein in which other variant(s) (p.Gln1923His) have been determined to be pathogenic (Invitae). This suggests that this is a clinically significant region of the protein, and that variants that disrupt it are likely to be disease-causing. ClinVar contains an entry for this variant (Variation ID: 1300200). This variant has not been reported in the literature in individuals affected with SCN1A-related conditions. This variant is not present in population databases (gnomAD no frequency). This sequence change creates a premature translational stop signal (p.Phe1831Valfs*6) in the SCN1A gene. While this is not anticipated to result in nonsense mediated decay, it is expected to disrupt the last 179 amino acid(s) of the SCN1A protein.

Unidad de Genómica Garrahan, Hospital de Pediatría Garrahan
Classification: Pathogenic for Severe myoclonic epilepsy in infancy. Last evaluated: 2020-06-29. Review status: no assertion criteria provided. Collection method: clinical testing. Allele origin: somatic. Affected: yes. Not counted in ClinVar's aggregate classification.